The following is an entry in ClinVar:

NM_004415.4(DSP):c.6045A>G (p.Ala2015=)

Gene: DSP (desmoplakin; plus strand). Cytogenetic location: 6p24.3.
Variant type: single nucleotide variant.
Coding change: c.6045A>G on transcript NM_004415.4 (MANE Select); coding-DNA position 6045, A replaced by G.
Protein change: p.Ala2015=; no amino-acid change (alanine 2015 retained).
Molecular consequence: synonymous variant.
Genome position (GRCh38, 1-based): chr6:7,583,307, A>G. VCF-style: chr6-7583307-A-G. GRCh37 (hg19) VCF-style: chr6-7583540-A-G.
Other names: c.4248A>G, p.Ala1416= (NM_001008844.3); c.4716A>G, p.Ala1572= (NM_001319034.2).
Identifiers: ClinVar variation 2453254 (VCV002453254.8), dbSNP rs749554720, ClinGen allele CA046685.

ClinVar aggregate classification (germline): Benign/Likely benign. Review status: criteria provided, multiple submitters, no conflicts (2 of 4 stars). 4 submissions from 4 submitters: Benign (1); Likely benign (3). Last evaluated 2025-12-29.

Conditions:
Arrhythmogenic cardiomyopathy with wooly hair and keratoderma. Also called: PALMOPLANTAR KERATODERMA WITH LEFT VENTRICULAR CARDIOMYOPATHY AND WOOLLY HAIR; Carvajal syndrome; Dilated cardiomyopathy with woolly hair and keratoderma; Arrhythmogenic cardiomyopathy with woolly hair and keratoderma. Identifiers: Orphanet 65282, MedGen C1854063, MONDO:0011581, OMIM 605676.
Arrhythmogenic right ventricular dysplasia 8 (ARVD8). Also called: ARRHYTHMOGENIC RIGHT VENTRICULAR DYSPLASIA, FAMILIAL, 8; ARRHYTHMOGENIC RIGHT VENTRICULAR CARDIOMYOPATHY 8; Arrhythmogenic Right Ventricular Dysplasia/Cardiomyopathy 8. Identifiers: MedGen C1843896, MONDO:0011831, OMIM 607450.
Cardiovascular phenotype. Identifiers: MedGen CN230736.
Cardiomyopathy (CMYO). Also called: Cardiomyopathies. Identifiers: Orphanet 167848, MedGen C0878544, MONDO:0004994, HP:0001638. Inheritance: Various modes of inheritance.

Allele frequency attached by ClinVar (database versions not stated): ExAC 0.00001; gnomAD 0.00001; gnomAD exomes 0.00002.
gnomAD v4.1: 27 of 1,614,132 alleles (0.0017%); highest among the groups gnomAD compares: Non-Finnish European, 0.0022%; no homozygotes.

Submissions (4):

Labcorp Genetics (formerly Invitae), Labcorp
Classification: Benign for Arrhythmogenic cardiomyopathy with wooly hair and keratoderma; Arrhythmogenic right ventricular dysplasia 8. Last evaluated: 2025-12-29. Review status: criteria provided, single submitter. Criteria: Invitae Variant Classification Sherloc (09022015). Collection method: clinical testing. Allele origin: germline.

All of Us Research Program, National Institutes of Health
Classification: Likely benign for Arrhythmogenic cardiomyopathy with wooly hair and keratoderma. Last evaluated: 2024-02-22. Review status: criteria provided, single submitter. Criteria: ACMG Guidelines, 2015. Collection method: clinical testing. Allele origin: germline. Inheritance: Autosomal dominant inheritance. Observed: 2 variant alleles, 2 heterozygotes.
Comment: This study involves interpretation of variants in research participants for the purpose of population health screening. Participant phenotype was not available at the time of variant classification. Additional details can be found in publication PMID: 35346344, PMCID: PMC8962531

Color Diagnostics, LLC DBA Color Health
Classification: Likely benign for Cardiomyopathy. Last evaluated: 2024-01-30. Review status: criteria provided, single submitter. Criteria: ACMG Guidelines, 2015. Collection method: clinical testing. Allele origin: germline.

Ambry Genetics
Classification: Likely benign for Cardiovascular phenotype. Last evaluated: 2023-01-22. Review status: criteria provided, single submitter. Criteria: Ambry Variant Classification Scheme 2023. Collection method: clinical testing. Allele origin: germline.